The following is an entry in ClinVar:

NM_006014.5(LAGE3):c.398C>T (p.Thr133Ile)

Gene: LAGE3 (L antigen family member 3; minus strand). Cytogenetic location: Xq28.
Variant type: single nucleotide variant.
Coding change: c.398C>T on transcript NM_006014.5 (MANE Select); coding-DNA position 398, C replaced by T.
Protein change: p.Thr133Ile; replaces threonine 133 with isoleucine.
Molecular consequence: missense variant.
Genome position (GRCh38, 1-based): chrX:154,477,978, G>A on the plus strand (C>T on the coding strand, the complement: LAGE3 is on the minus strand). VCF-style: chrX-154477978-G-A. GRCh37 (hg19) VCF-style: chrX-153706317-G-A.
Other names: c.398C>T (NM_006014.3); short protein forms T133I.
Identifiers: ClinVar variation 2002679 (VCV002002679.5), dbSNP rs2523105089, ClinGen allele CA415191334.

ClinVar aggregate classification (germline): Uncertain significance. Review status: criteria provided, multiple submitters, no conflicts (2 of 4 stars). 2 submissions from 2 submitters: Uncertain significance (2). Last evaluated 2025-11-20.

gnomAD v4.1: 1 of 1,212,116 alleles (0.000083%); highest among the groups gnomAD compares: African/African-American, 0.0017%; no homozygotes.

Submissions (2):

Ambry Genetics
Classification: Uncertain significance. Last evaluated: 2025-11-20. Review status: criteria provided, single submitter. Criteria: Ambry Variant Classification Scheme 2023. Collection method: clinical testing. Allele origin: germline.

Labcorp Genetics (formerly Invitae), Labcorp
Classification: Uncertain significance. Last evaluated: 2025-06-09. Review status: criteria provided, single submitter. Criteria: Invitae Variant Classification Sherloc (09022015). Collection method: clinical testing. Allele origin: germline.
Comment: This sequence change replaces threonine, which is neutral and polar, with isoleucine, which is neutral and non-polar, at codon 133 of the LAGE3 protein (p.Thr133Ile). This variant is not present in population databases (gnomAD no frequency). This variant has not been reported in the literature in individuals affected with LAGE3-related conditions. ClinVar contains an entry for this variant (Variation ID: 2002679). An algorithm developed to predict the effect of missense changes on protein structure and function (PolyPhen-2) suggests that this variant is likely to be disruptive. In summary, the available evidence is currently insufficient to determine the role of this variant in disease. Therefore, it has been classified as a Variant of Uncertain Significance.